The following is an entry in ClinVar:

NM_138638.5(CFL2):c.54G>A (p.Met18Ile)

Gene: CFL2 (cofilin 2; minus strand). Cytogenetic location: 14q13.1.
Variant type: single nucleotide variant.
Coding change: c.54G>A on transcript NM_138638.5 (MANE Select); coding-DNA position 54, G replaced by A.
Protein change: p.Met18Ile; replaces methionine 18 with isoleucine.
Molecular consequence: missense variant. On other transcripts: initiator codon variant (1), non-coding transcript variant (2).
Genome position (GRCh38, 1-based): chr14:34,713,511, C>T on the plus strand (G>A on the coding strand, the complement: CFL2 is on the minus strand). VCF-style: chr14-34713511-C-T. GRCh37 (hg19) VCF-style: chr14-35182717-C-T.
Other names: c.3G>A, p.Met1Ile (NM_001243645.2); c.54G>A, p.Met18Ile (NM_021914.8); short protein forms M18I, M1I.
Identifiers: ClinVar variation 661578 (VCV000661578.7), dbSNP rs1594784960, ClinGen allele CA389422084.

ClinVar aggregate classification (germline): Uncertain significance. Review status: criteria provided, multiple submitters, no conflicts (2 of 4 stars). 2 submissions from 2 submitters: Uncertain significance (2). Last evaluated 2021-08-31.

Conditions:
Nemaline myopathy 7 (NEM7). Also called: Nemaline myopathy 7, autosomal recessive. Identifiers: Orphanet 171436, MedGen C1853154, MONDO:0012538, OMIM 610687.

Allele frequency attached by ClinVar (database versions not stated): TOPMed 0.00001.

Submissions (2):

Labcorp Genetics (formerly Invitae), Labcorp
Classification: Uncertain significance for Nemaline myopathy 7. Last evaluated: 2021-08-31. Review status: criteria provided, single submitter. Criteria: Invitae Variant Classification Sherloc (09022015). Collection method: clinical testing. Allele origin: germline.

GeneDx
Classification: Uncertain significance. Last evaluated: 2019-07-25. Review status: criteria provided, single submitter. Criteria: GeneDx Variant Classification Process June 2021. Collection method: clinical testing. Allele origin: germline. Affected: yes.
Comment: Not observed in large population cohorts (Lek et al., 2016); In silico analysis, which includes protein predictors and evolutionary conservation, supports that this variant does not alter protein structure/function; Has not been previously published as pathogenic or benign to our knowledge